The following is an entry in ClinVar:

ClinVar aggregate classification (germline): Benign/Likely benign. Review status: criteria provided, multiple submitters, no conflicts (2 of 4 stars). 3 submissions from 3 submitters: Benign (1); Likely benign (2). Last evaluated 2026-01-28.

Allele frequency attached by ClinVar (database versions not stated): gnomAD 0.00039 and 0.00060; TOPMed 0.00053; ExAC 0.00126; 1000 Genomes Project 30x 0.00437; 1000 Genomes Project 0.00459.
gnomAD v4.1: 577 of 1,613,988 alleles (0.036%); highest among the groups gnomAD compares: East Asian, 1%; 4 homozygotes.

Submissions (3):

Labcorp Genetics (formerly Invitae), Labcorp
Classification: Benign. Last evaluated: 2026-01-28. Review status: criteria provided, single submitter. Criteria: Invitae Variant Classification Sherloc (09022015). Collection method: clinical testing. Allele origin: germline.

CeGaT Center for Human Genetics Tuebingen
Classification: Likely benign. Last evaluated: 2025-02-01. Review status: criteria provided, single submitter. Criteria: CeGaT Center For Human Genetics Tuebingen Variant Classification Criteria Version 2. Collection method: clinical testing. Allele origin: germline. Affected: yes. Observed: 1 variant allele.
Comment: GRM6: BP4, BS1

Blueprint Genetics
Classification: Likely benign. Last evaluated: 2024-11-21. Review status: criteria provided, single submitter. Criteria: ACMG Guidelines, 2015. Collection method: clinical testing. Allele origin: germline.

NM_000843.4(GRM6):c.1172G>A (p.Arg391Gln)

Genes: GRM6 (glutamate metabotropic receptor 6; minus strand), ZNF454 (zinc finger protein 454; plus strand). Cytogenetic location: 5q35.3.
Variant type: single nucleotide variant.
Coding change: c.1172G>A on transcript NM_000843.4 (MANE Select); coding-DNA position 1172, G replaced by A.
Protein change: p.Arg391Gln; replaces arginine 391 with glutamine.
Molecular consequence: missense variant.
Genome position (GRCh38, 1-based): chr5:178,989,117, C>T on the plus strand (G>A on the coding strand, the complement: GRM6 is on the minus strand). VCF-style: chr5-178989117-C-T. GRCh37 (hg19) VCF-style: chr5-178416118-C-T.
Other names: short protein forms R391Q.
Identifiers: ClinVar variation 730401 (VCV000730401.25), dbSNP rs148879923, ClinGen allele CA3594161.
Genomic context (GRCh38, chr5:178,989,117, plus strand): 5'-ATGGCGTACACCGCATCAATCACAAACTGCACCTTGCCCTCCTGCTCGTAGGTGGAGTCC[C>T]GGCCGATGCGTTCCTCGCCTGTCCTAGGGATGCCCAGAGAAAGTGTGCCCGGCCCCCATG-3'
Protein context (NP_000834.2, residues 381-401): RKCTGEERIG[Arg391Gln]DSTYEQEGKV